The following is an entry in ClinVar:

NM_001365999.1(SZT2):c.5845C>G (p.Arg1949Gly)

Gene: SZT2 (SZT2 subunit of KICSTOR complex; plus strand). Cytogenetic location: 1p34.2.
Variant type: single nucleotide variant.
Coding change: c.5845C>G on transcript NM_001365999.1 (MANE Select); coding-DNA position 5845, C replaced by G.
Protein change: p.Arg1949Gly; replaces arginine 1949 with glycine.
Molecular consequence: missense variant.
Genome position (GRCh38, 1-based): chr1:43,434,426, C>G. VCF-style: chr1-43434426-C-G. GRCh37 (hg19) VCF-style: chr1-43900097-C-G.
Other names: c.5674C>G, p.Arg1892Gly (NM_015284.4); short protein forms R1892G, R1949G.
Identifiers: ClinVar variation 1019433 (VCV001019433.10), dbSNP rs775747042, ClinGen allele CA809722.

ClinVar aggregate classification (germline): Uncertain significance. Review status: criteria provided, multiple submitters, no conflicts (2 of 4 stars). 3 submissions from 3 submitters: Uncertain significance (3). Last evaluated 2024-10-23.

gnomAD v4.1: 24 of 1,598,988 alleles (0.0015%); highest among the groups gnomAD compares: South Asian, 0.024%; 1 homozygote.

Submissions (3):

Blueprint Genetics
Classification: Uncertain significance. Last evaluated: 2024-10-23. Review status: criteria provided, single submitter. Criteria: ACMG Guidelines, 2015. Collection method: clinical testing. Allele origin: germline.

Labcorp Genetics (formerly Invitae), Labcorp
Classification: Uncertain significance. Last evaluated: 2022-12-06. Review status: criteria provided, single submitter. Criteria: Invitae Variant Classification Sherloc (09022015). Collection method: clinical testing. Allele origin: germline.
Comment: This sequence change replaces arginine, which is basic and polar, with glycine, which is neutral and non-polar, at codon 1892 of the SZT2 protein (p.Arg1892Gly). This variant is present in population databases (rs775747042, gnomAD 0.02%). In summary, the available evidence is currently insufficient to determine the role of this variant in disease. Therefore, it has been classified as a Variant of Uncertain Significance. Algorithms developed to predict the effect of sequence changes on RNA splicing suggest that this variant may disrupt the consensus splice site. Advanced modeling of protein sequence and biophysical properties (such as structural, functional, and spatial information, amino acid conservation, physicochemical variation, residue mobility, and thermodynamic stability) performed at Invitae indicates that this missense variant is not expected to disrupt SZT2 protein function. ClinVar contains an entry for this variant (Variation ID: 1019433). This variant has not been reported in the literature in individuals affected with SZT2-related conditions.

Breakthrough Genomics
Classification: Uncertain significance. Review status: criteria provided, single submitter. Criteria: ACMG Guidelines, 2015. Collection method: not provided. Allele origin: germline. Inheritance: Autosomal recessive inheritance. Affected: yes.